The following is an entry in ClinVar:

ClinVar aggregate classification (germline): Conflicting classifications of pathogenicity. Review status: criteria provided, conflicting classifications (1 of 4 stars). 2 submissions from 2 submitters: Uncertain significance (1); Likely benign (1). Last evaluated 2023-08-04.

Submissions (2):

Labcorp Genetics (formerly Invitae), Labcorp
Classification: Likely benign. Last evaluated: 2023-08-04. Review status: criteria provided, single submitter. Criteria: Invitae Variant Classification Sherloc (09022015). Collection method: clinical testing. Allele origin: germline.

CeGaT Center for Human Genetics Tuebingen
Classification: Uncertain significance. Last evaluated: 2022-08-01. Review status: criteria provided, single submitter. Criteria: CeGaT Center For Human Genetics Tuebingen Variant Classification Criteria Version 2. Collection method: clinical testing. Allele origin: germline. Affected: yes. Observed: 1 variant allele.
Comment: FBXO11: PM2, BP3

NM_001190274.2(FBXO11):c.134_154dup (p.Gln51_Gln52insProProProProProGlnGln)

Genes: FBXO11 (F-box protein 11; minus strand), LOC100506235 (uncharacterized LOC100506235; plus strand). Cytogenetic location: 2p16.3.
Variant type: Duplication.
Coding change: c.134_154dup on transcript NM_001190274.2 (MANE Select); coding-DNA positions 134 to 154, 21 bases duplicated (CTCCGCCGCCGCCGCAGCAGC).
Protein change: p.Gln51_Gln52insProProProProProGlnGln.
Molecular consequence: non-coding transcript variant (on NR_187636.1).
Genome position (GRCh38, 1-based): chr2:47,905,567-47,905,587, GCTGCTGCGGCGGCGGCGGAG duplicated on the plus strand (CTCCGCCGCCGCCGCAGCAGC on the coding strand, the reverse complement: FBXO11 is on the minus strand); duplicating any 21 consecutive bases within chr2:47,905,567-47,905,595 gives the same sequence; the c. name uses the placement nearest the transcript's 3' end. VCF-style (leftmost placement, unchanged base first): chr2-47905566-T-TGCTGCTGCGGCGGCGGCGGAG. GRCh37 (hg19) VCF-style: chr2-48132705-T-TGCTGCTGCGGCGGCGGCGGAG.
Identifiers: ClinVar variation 2115995 (VCV002115995.26), dbSNP rs1003713657, ClinGen allele CA1030312642.